The following is an entry in ClinVar:

NM_000245.4(MET):c.3610_3611del (p.Asp1204fs)

Gene: MET (MET proto-oncogene, receptor tyrosine kinase; plus strand). Cytogenetic location: 7q31.2.
Variant type: Microsatellite.
Coding change: c.3610_3611del on transcript NM_000245.4 (MANE Select); coding-DNA positions 3610 to 3611, 2 bases deleted (GA; older notation c.3610_3611delGA).
Protein change: p.Asp1204fs; shifts the reading frame from aspartic acid 1204.
Molecular consequence: frameshift variant.
Genome position (GRCh38, 1-based): chr7:116,782,075-116,782,076, GA deleted; deleting any 2 consecutive bases within chr7:116,782,072-116,782,076 gives the same sequence; the c. name uses the placement nearest the transcript's 3' end. VCF-style (leftmost placement, unchanged base first): chr7-116782071-CAG-C. GRCh37 (hg19) VCF-style: chr7-116422125-CAG-C.
Other names: c.3662_3663GA[1], p.Asp1222Leufs (NM_001127500.1); c.3664_3665del, p.Asp1222fs (NM_001127500.3); c.2320_2321del, p.Asp774fs (NM_001324402.2); c.3664_3665delGA (NM_001127500.1); short protein forms D1222fs, D1204fs, D774fs.
Identifiers: ClinVar variation 5024322 (VCV005024322.1).
Genomic context (GRCh38, chr7:116,782,071, plus strand): 5'-TGGCTTTGGTCTTCAAGTAGCCAAAGGCATGAAATATCTTGCAAGCAAAAAGTTTGTCCA[CAG>C]AGACTTGGCTGCAAGAAACTGTATGTAAGTATCAGAATCTCTGTGCCACAATCCAAATTA-3'

ClinVar aggregate classification (germline): Uncertain significance (1 of 4 stars; one submission).

Conditions:
Hereditary cancer-predisposing syndrome. Also called: Neoplastic Syndromes, Hereditary; Tumor predisposition; Hereditary neoplastic syndrome; Hereditary Cancer Syndrome. Identifiers: Orphanet 140162, MedGen C0027672, MeSH D009386, MONDO:0015356.

Submission:

Ambry Genetics
Classification: Uncertain significance for Hereditary cancer-predisposing syndrome. Last evaluated: 2026-06-18. Review status: criteria provided, single submitter. Criteria: Ambry Variant Classification Scheme 2023. Collection method: clinical testing. Allele origin: germline.
Comment: The c.3664_3665delGA variant, located in coding exon 17 of the MET gene, results from a deletion of two nucleotides at nucleotide positions 3664 to 3665, causing a translational frameshift with a predicted alternate stop codon (p.D1222Lfs*10). This variant is expected to result in protein truncation or nonsense-mediated mRNA decay. However, loss of function has not been established as a mechanism of disease. Based on the available evidence, the clinical significance of this variant remains unclear.